The following is an entry in ClinVar:

NM_001482.3(GATM):c.1240C>T (p.Arg414Cys)

Gene: GATM (glycine amidinotransferase; minus strand). Cytogenetic location: 15q21.1.
Variant type: single nucleotide variant.
Coding change: c.1240C>T on transcript NM_001482.3 (MANE Select); coding-DNA position 1240, C replaced by T.
Protein change: p.Arg414Cys; replaces arginine 414 with cysteine.
Molecular consequence: missense variant.
Genome position (GRCh38, 1-based): chr15:45,362,141, G>A on the plus strand (C>T on the coding strand, the complement: GATM is on the minus strand). VCF-style: chr15-45362141-G-A. GRCh37 (hg19) VCF-style: chr15-45654339-G-A.
Other names: c.853C>T, p.Arg285Cys (NM_001321015.2); short protein forms R414C, R285C.
Identifiers: ClinVar variation 4709997 (VCV004709997.1).
Genomic context (GRCh38, chr15:45,362,141, plus strand): 5'-GGCCAGCCACAAGCTCCATCAGGCCTGTTCAGTCCAAGTAGGACTGTAAGGTGCCTCGGC[G>A]CCGGACATCGCAGGTCCAGCAATGGAAGCCTCCTCCCAGGGAATTGGCATTACGAATGTT-3'
Protein context (NP_001473.1, residues 404-423): GFHCWTCDVR[Arg414Cys]RGTLQSYLD

ClinVar aggregate classification (germline): Uncertain significance (1 of 4 stars; one submission).

Conditions:
Arginine:glycine amidinotransferase deficiency (CCDS3). Also called: L-Arginine:Glycine Amidinotransferase (AGAT) Deficiency; AGAT deficiency; L-Arginine:Glycine Amidinotransferase Deficiency; Creatine deficiency syndrome due to AGAT deficiency; GATM deficiency; Cerebral creatine deficiency syndrome 3. Identifiers: Orphanet 35704, MedGen C2675179, MONDO:0012996, OMIM 612718.

gnomAD v4.1: 4 of 1,613,684 alleles (0.00025%); highest among the groups gnomAD compares: Non-Finnish European, 0.00025%; no homozygotes.

Submission:

Labcorp Genetics (formerly Invitae), Labcorp
Classification: Uncertain significance for Arginine:glycine amidinotransferase deficiency. Last evaluated: 2025-11-15. Review status: criteria provided, single submitter. Criteria: Invitae Variant Classification Sherloc (09022015). Collection method: clinical testing. Allele origin: germline.
Comment: This sequence change replaces arginine, which is basic and polar, with cysteine, which is neutral and slightly polar, at codon 414 of the GATM protein (p.Arg414Cys). This variant is present in population databases (rs761575775, gnomAD 0.004%). This variant has not been reported in the literature in individuals affected with GATM-related conditions. Invitae Evidence Modeling of protein sequence and biophysical properties (such as structural, functional, and spatial information, amino acid conservation, physicochemical variation, residue mobility, and thermodynamic stability) indicates that this missense variant is expected to disrupt GATM protein function with a positive predictive value of 95%. In summary, the available evidence is currently insufficient to determine the role of this variant in disease. Therefore, it has been classified as a Variant of Uncertain Significance.